The following is an entry in ClinVar:

ClinVar aggregate classification (germline): Benign/Likely benign. Review status: criteria provided, multiple submitters, no conflicts (2 of 4 stars). 7 submissions from 6 submitters: Benign (3); Likely benign (3). 1 of the submissions does not count toward it. Last evaluated 2026-01-15.

Conditions:
SPTBN2-related disorder. Also called: SPTBN2-related condition.
Autosomal recessive spinocerebellar ataxia 14. Also called: CEREBELLAR ATAXIA, AUTOSOMAL RECESSIVE, SPECTRIN-ASSOCIATED, 1. Identifiers: Orphanet 352403, MedGen C4706415, MONDO:0014159, OMIM 615386.
Spinocerebellar ataxia type 5 (SCA5). Identifiers: Orphanet 98766, MedGen C0752123, MONDO:0010848, OMIM 600224.

Allele frequency attached by ClinVar (database versions not stated): 1000 Genomes Project 30x 0.00125; TOPMed 0.00128; 1000 Genomes Project 0.00140.
gnomAD v4.1: 1,936 of 1,607,658 alleles (0.12%); highest among the groups gnomAD compares: Admixed American, 0.71%; 3 homozygotes.

Submissions (7):

Labcorp Genetics (formerly Invitae), Labcorp
Classification: Benign. Last evaluated: 2026-01-15. Review status: criteria provided, single submitter. Criteria: Invitae Variant Classification Sherloc (09022015). Collection method: clinical testing. Allele origin: germline.

CeGaT Center for Human Genetics Tuebingen
Classification: Likely benign. Last evaluated: 2025-10-01. Review status: criteria provided, single submitter. Criteria: CeGaT Center For Human Genetics Tuebingen Variant Classification Criteria Version 2. Collection method: clinical testing. Allele origin: germline. Affected: yes. Observed: 1 variant allele.
Comment: SPTBN2: BP4

Blueprint Genetics
Classification: Likely benign. Last evaluated: 2024-11-19. Review status: criteria provided, single submitter. Criteria: ACMG Guidelines, 2015. Collection method: clinical testing. Allele origin: germline.

Athena Diagnostics
Classification: Benign. Last evaluated: 2024-01-24. Review status: criteria provided, single submitter. Criteria: Athena Diagnostics Criteria. Collection method: clinical testing. Allele origin: unknown.

Illumina Laboratory Services, Illumina
Classification: Benign for Spinocerebellar ataxia type 5. Last evaluated: 2018-01-12. Review status: criteria provided, single submitter. Criteria: ICSL Variant Classification Criteria 13 December 2019. Collection method: clinical testing. Allele origin: germline.
Comment: This variant was observed in the ICSL laboratory as part of a predisposition screen in an ostensibly healthy population. It had not been previously curated by ICSL or reported in the Human Gene Mutation Database (HGMD: prior to June 1st, 2018), and was therefore a candidate for classification through an automated scoring system. Utilizing variant allele frequency, disease prevalence and penetrance estimates, and inheritance mode, an automated score was calculated to assess if this variant is too frequent to cause the disease. Based on the score and internal cut-off values, a variant classified as benign is not then subjected to further curation. The score for this variant resulted in a classification of benign for this disease.

Illumina Laboratory Services, Illumina
Classification: Likely benign for Autosomal recessive spinocerebellar ataxia 14. Last evaluated: 2018-01-12. Review status: criteria provided, single submitter. Criteria: ICSL Variant Classification Criteria 13 December 2019. Collection method: clinical testing. Allele origin: germline.
Comment: This variant was observed in the ICSL laboratory as part of a predisposition screen in an ostensibly healthy population. It had not been previously curated by ICSL or reported in the Human Gene Mutation Database (HGMD: prior to June 1st, 2018), and was therefore a candidate for classification through an automated scoring system. Utilizing variant allele frequency, disease prevalence and penetrance estimates, and inheritance mode, an automated score was calculated to assess if this variant is too frequent to cause the disease. Based on the score and internal cut-off values, a variant classified as likely benign is not then subjected to further curation. The score for this variant resulted in a classification of likely benign for this disease.

PreventionGenetics, part of Exact Sciences
Classification: Likely benign for SPTBN2-related condition. Last evaluated: 2020-02-17. Review status: no assertion criteria provided. Collection method: clinical testing. Allele origin: germline. Not counted in ClinVar's aggregate classification.
Comment: This variant is classified as likely benign based on ACMG/AMP sequence variant interpretation guidelines (Richards et al. 2015 PMID: 25741868, with internal and published modifications).

NM_006946.4(SPTBN2):c.1351-7G>A

Gene: SPTBN2 (spectrin beta, non-erythrocytic 2; minus strand). Cytogenetic location: 11q13.2.
Variant type: single nucleotide variant.
Coding change: c.1351-7G>A on transcript NM_006946.4 (MANE Select); 7 bases into the intron before coding-DNA position 1351, G replaced by A.
Molecular consequence: intron variant.
Genome position (GRCh38, 1-based): chr11:66,707,825, C>T on the plus strand (G>A on the coding strand, the complement: SPTBN2 is on the minus strand). VCF-style: chr11-66707825-C-T. GRCh37 (hg19) VCF-style: chr11-66475296-C-T.
Identifiers: ClinVar variation 305588 (VCV000305588.26), dbSNP rs116078747, ClinGen allele CA6129392.